The following is an entry in ClinVar:

ClinVar aggregate classification (germline): Uncertain significance (1 of 4 stars; one submission).

Allele frequency attached by ClinVar (database versions not stated): gnomAD exomes below 0.00001.

Submission:

Labcorp Genetics (formerly Invitae), Labcorp
Classification: Uncertain significance. Last evaluated: 2023-02-22. Review status: criteria provided, single submitter. Criteria: Invitae Variant Classification Sherloc (09022015). Collection method: clinical testing. Allele origin: germline.
Comment: In summary, the available evidence is currently insufficient to determine the role of this variant in disease. Therefore, it has been classified as a Variant of Uncertain Significance. Algorithms developed to predict the effect of sequence changes on RNA splicing suggest that this variant may disrupt the consensus splice site. Advanced modeling of protein sequence and biophysical properties (such as structural, functional, and spatial information, amino acid conservation, physicochemical variation, residue mobility, and thermodynamic stability) performed at Invitae indicates that this missense variant is expected to disrupt CACNA1D protein function. ClinVar contains an entry for this variant (Variation ID: 1520803). This variant has not been reported in the literature in individuals affected with CACNA1D-related conditions. This variant is not present in population databases (gnomAD no frequency). This sequence change replaces tryptophan, which is neutral and slightly polar, with serine, which is neutral and polar, at codon 1219 of the CACNA1D protein (p.Trp1219Ser).

NM_001128840.3(CACNA1D):c.3596G>C (p.Trp1199Ser)

Gene: CACNA1D (calcium voltage-gated channel subunit alpha1 D; plus strand). Cytogenetic location: 3p21.1.
Variant type: single nucleotide variant.
Coding change: c.3596G>C on transcript NM_001128840.3 (MANE Select); coding-DNA position 3596, G replaced by C.
Protein change: p.Trp1199Ser; replaces tryptophan 1199 with serine.
Molecular consequence: missense variant.
Genome position (GRCh38, 1-based): chr3:53,751,828, G>C. VCF-style: chr3-53751828-G-C. GRCh37 (hg19) VCF-style: chr3-53785855-G-C.
Other names: c.3656G>C, p.Trp1219Ser (NM_000720.4); c.3596G>C, p.Trp1199Ser (NM_001128839.3); short protein forms W1219S, W1199S.
Identifiers: ClinVar variation 1520803 (VCV001520803.8), dbSNP rs2095228960, ClinGen allele CA353250664.